The following is an entry in ClinVar:

ClinVar aggregate classification (germline): Pathogenic. Review status: criteria provided, multiple submitters, no conflicts (2 of 4 stars). 2 submissions from 2 submitters: Pathogenic (2). Last evaluated 2022-04-28.

Conditions:
Neurofibromatosis, type 1 (NF1). Also called: Peripheral type neurofibromatosis; VON RECKLINGHAUSEN DISEASE; NEUROFIBROMATOSIS, TYPE I, SOMATIC; Neurofibromatosis, type I. Identifiers: Orphanet 636, MedGen C0027831, MONDO:0018975, OMIM 162200. Disease mechanism: loss of function.
Cardiovascular phenotype. Identifiers: MedGen CN230736.
Hereditary cancer-predisposing syndrome. Also called: Neoplastic Syndromes, Hereditary; Tumor predisposition; Hereditary neoplastic syndrome; Hereditary Cancer Syndrome. Identifiers: Orphanet 140162, MedGen C0027672, MeSH D009386, MONDO:0015356.

Submissions (2):

Labcorp Genetics (formerly Invitae), Labcorp
Classification: Pathogenic for Neurofibromatosis, type 1. Last evaluated: 2022-04-28. Review status: criteria provided, single submitter. Criteria: Invitae Variant Classification Sherloc (09022015). Collection method: clinical testing. Allele origin: germline.
Comment: This variant is not present in population databases (gnomAD no frequency). This sequence change creates a premature translational stop signal (p.Leu2421*) in the NF1 gene. It is expected to result in an absent or disrupted protein product. Loss-of-function variants in NF1 are known to be pathogenic (PMID: 10712197, 23913538). This variant has not been reported in the literature in individuals affected with NF1-related conditions. For these reasons, this variant has been classified as Pathogenic.

Ambry Genetics
Classification: Pathogenic for Cardiovascular phenotype; Hereditary cancer-predisposing syndrome. Last evaluated: 2020-03-30. Review status: criteria provided, single submitter. Criteria: Ambry Variant Classification Scheme 2023. Collection method: clinical testing. Allele origin: germline.
Comment: The p.L2421* pathogenic mutation (also known as c.7262T>A), located in coding exon 49 of the NF1 gene, results from a T to A substitution at nucleotide position 7262. This changes the amino acid from a leucine to a stop codon within coding exon 49. This alteration is expected to result in loss of function by premature protein truncation or nonsense-mediated mRNA decay. As such, this alteration is interpreted as a disease-causing mutation.

Literature cited by the submitters: PubMed 10712197 (cited by Labcorp Genetics (formerly Invitae), Labcorp); PubMed 23913538 (cited by Labcorp Genetics (formerly Invitae), Labcorp).

NM_001042492.3(NF1):c.7325T>A (p.Leu2442Ter)

Gene: NF1 (neurofibromin 1; plus strand). Cytogenetic location: 17q11.2.
Variant type: single nucleotide variant.
Coding change: c.7325T>A on transcript NM_001042492.3 (MANE Select); coding-DNA position 7325, T replaced by A.
Protein change: p.Leu2442Ter; replaces leucine 2442 with a stop codon.
Molecular consequence: nonsense.
Genome position (GRCh38, 1-based): chr17:31,350,186, T>A. VCF-style: chr17-31350186-T-A. GRCh37 (hg19) VCF-style: chr17-29677204-T-A.
Other names: c.7262T>A, p.Leu2421Ter (NM_000267.4); short protein forms L2421*, L2442*.
Identifiers: ClinVar variation 1757969 (VCV001757969.7), dbSNP rs2151574236, ClinGen allele CA399016949.